The following is an entry in ClinVar:

NM_000352.6(ABCC8):c.4546-8C>T

Gene: ABCC8 (ATP binding cassette subfamily C member 8; minus strand). Cytogenetic location: 11p15.1.
Variant type: single nucleotide variant.
Coding change: c.4546-8C>T on transcript NM_000352.6 (MANE Select); 8 bases into the intron before coding-DNA position 4546, C replaced by T.
Molecular consequence: intron variant.
Genome position (GRCh38, 1-based): chr11:17,393,767, G>A on the plus strand (C>T on the coding strand, the complement: ABCC8 is on the minus strand). VCF-style: chr11-17393767-G-A. GRCh37 (hg19) VCF-style: chr11-17415314-G-A.
Other names: c.4543-8C>T (NM_001351297.2); c.4546-8C>T (NM_001351296.2); c.4612-8C>T (NM_001351295.2); c.4549-8C>T (NM_001287174.3).
Identifiers: ClinVar variation 753639 (VCV000753639.9), dbSNP rs1273503048, ClinGen allele CA597664758.

ClinVar aggregate classification (germline): Conflicting classifications of pathogenicity. Review status: criteria provided, conflicting classifications (1 of 4 stars). 3 submissions from 2 submitters: Uncertain significance (2); Likely benign (1). Last evaluated 2023-10-22.

Conditions:
Transitory neonatal diabetes mellitus. Also called: Transient neonatal diabetes mellitus. Identifiers: MedGen C0342273, MONDO:0020525, HP:0008255.
Maturity-onset diabetes of the young (MODY). Also called: Maturity onset diabetes mellitus in young. Identifiers: Orphanet 552, MedGen C0342276, MONDO:0018911, HP:0004904.

Allele frequency attached by ClinVar (database versions not stated): gnomAD exomes below 0.00001; gnomAD 0.00001.
gnomAD v4.1: 7 of 1,613,994 alleles (0.00043%); highest among the groups gnomAD compares: East Asian, 0.011%; no homozygotes.

Submissions (3):

Labcorp Genetics (formerly Invitae), Labcorp
Classification: Likely benign. Last evaluated: 2023-10-22. Review status: criteria provided, single submitter. Criteria: Invitae Variant Classification Sherloc (09022015). Collection method: clinical testing. Allele origin: germline.

Clinical Genomics, Uppaluri K&H Personalized Medicine Clinic
Classification: Uncertain significance for Maturity-onset diabetes of the young. Review status: criteria provided, single submitter. Criteria: K & H Uppaluri Personalized Medicine Clinic Variant Classification & Assertion Criteria_Updated V.1. Collection method: research. Allele origin: somatic. Inheritance: Somatic mutation.
Comment: Mutations in ABCC8 gene are associated with both neonatal diabetes mellitus as well as MODY. Patients with this mutation may have a better response to sulfonylureas. However, no sufficient evidence is found to ascertain the role of this particular variant ( rs1273503048) in MODY yet.

Clinical Genomics, Uppaluri K&H Personalized Medicine Clinic
Classification: Uncertain significance for Transitory neonatal diabetes mellitus. Review status: criteria provided, single submitter. Criteria: K & H Uppaluri Personalized Medicine Clinic Variant Classification & Assertion Criteria_Updated V.1. Collection method: research. Allele origin: somatic. Inheritance: Somatic mutation.
Comment: Mutations in ABCC8 gene are associated with both neonatal diabetes mellitus as well as MODY. Patients with this mutation may have a better response to sulfonylureas. However, no sufficient evidence is found to ascertain the role of this particular variant ( rs1273503048 ) in neonatal diabetes yet.

Literature cited by the submitters: PubMed 16885549 (cited by Clinical Genomics, Uppaluri K&H Personalized Medicine Clinic); PubMed 21989597 (cited by Clinical Genomics, Uppaluri K&H Personalized Medicine Clinic); PubMed 27538677 (cited by Clinical Genomics, Uppaluri K&H Personalized Medicine Clinic); PubMed 18981553 (cited by Clinical Genomics, Uppaluri K&H Personalized Medicine Clinic); PubMed 32027066 (cited by Clinical Genomics, Uppaluri K&H Personalized Medicine Clinic); PubMed 16613899 (cited by Clinical Genomics, Uppaluri K&H Personalized Medicine Clinic); PubMed 18025408 (cited by Clinical Genomics, Uppaluri K&H Personalized Medicine Clinic); PubMed 32792356 (cited by Clinical Genomics, Uppaluri K&H Personalized Medicine Clinic).